The following is an entry in ClinVar:

NM_000176.3(NR3C1):c.1248dup (p.Pro417fs)

Gene: NR3C1 (nuclear receptor subfamily 3 group C member 1; minus strand). Cytogenetic location: 5q31.3.
Variant type: Duplication.
Coding change: c.1248dup on transcript NM_000176.3 (MANE Select); coding-DNA position 1248, one base duplicated (A; older notation c.1248dupA).
Protein change: p.Pro417fs; shifts the reading frame from proline 417.
Molecular consequence: frameshift variant. On other transcripts: non-coding transcript variant (1).
Genome position (GRCh38, 1-based): chr5:143,314,105, T duplicated on the plus strand (A on the coding strand, the reverse complement: NR3C1 is on the minus strand). VCF-style (leftmost placement, unchanged base first): chr5-143314104-G-GT. GRCh37 (hg19) VCF-style: chr5-142693669-G-GT.
Other names: c.1248dup, p.Pro417fs (NM_001018074.1, NM_001018075.1, NM_001018076.2 and 10 more transcripts); c.1170dup, p.Pro391fs (NM_001204258.2); c.993dup, p.Pro332fs (NM_001204259.2); c.981dup, p.Pro328fs (NM_001204260.2); c.957dup, p.Pro320fs (NM_001204261.2); c.303dup, p.Pro102fs (NM_001204262.2); c.258dup, p.Pro87fs (NM_001204263.2); c.243dup, p.Pro82fs (NM_001204264.2); short protein forms P102fs, P320fs, P328fs, P332fs, P391fs, P417fs, P82fs, P87fs.
Identifiers: ClinVar variation 3773895 (VCV003773895.1).

ClinVar aggregate classification (germline): Uncertain significance (1 of 4 stars; one submission).

Submission:

GeneDx
Classification: Uncertain significance. Last evaluated: 2024-09-22. Review status: criteria provided, single submitter. Criteria: GeneDx Variant Classification Process June 2021. Collection method: clinical testing. Allele origin: germline. Affected: yes.
Comment: Frameshift variant predicted to result in protein truncation or nonsense mediated decay in a gene for which loss-of-function is not a known mechanism of disease; Not observed at significant frequency in large population cohorts (gnomAD); Has not been previously published as pathogenic or benign to our knowledge